The following is an entry in ClinVar:

ClinVar aggregate classification (germline): Conflicting classifications of pathogenicity. Review status: criteria provided, conflicting classifications (1 of 4 stars). 2 submissions from 2 submitters: Uncertain significance (1); Likely benign (1). Last evaluated 2025-05-03.

Conditions:
Familial cancer of breast. Also called: Hereditary breast cancer; BREAST CANCER, FAMILIAL; hereditary breast carcinoma. Identifiers: Orphanet 227535, MedGen C0346153, MONDO:0016419, OMIM 114480. Disease mechanism: loss of function.
Hereditary cancer-predisposing syndrome. Also called: Hereditary Cancer Syndrome; Neoplastic Syndromes, Hereditary; Hereditary neoplastic syndrome; Tumor predisposition. Identifiers: Orphanet 140162, MedGen C0027672, MeSH D009386, MONDO:0015356.

Submissions (2):

Ambry Genetics
Classification: Likely benign for Hereditary cancer-predisposing syndrome. Last evaluated: 2025-05-03. Review status: criteria provided, single submitter. Criteria: Ambry Variant Classification Scheme 2023. Collection method: clinical testing. Allele origin: germline.

Labcorp Genetics (formerly Invitae), Labcorp
Classification: Uncertain significance for Familial cancer of breast. Last evaluated: 2022-07-04. Review status: criteria provided, single submitter. Criteria: Invitae Variant Classification Sherloc (09022015). Collection method: clinical testing. Allele origin: germline.
Comment: In summary, the available evidence is currently insufficient to determine the role of this variant in disease. Therefore, it has been classified as a Variant of Uncertain Significance. Algorithms developed to predict the effect of missense changes on protein structure and function output the following: SIFT: "Tolerated"; PolyPhen-2: "Benign"; Align-GVGD: "Class C0". The histidine amino acid residue is found in multiple mammalian species, which suggests that this missense change does not adversely affect protein function. This variant has not been reported in the literature in individuals affected with PALB2-related conditions. This variant is not present in population databases (gnomAD no frequency). This sequence change replaces glutamine, which is neutral and polar, with histidine, which is basic and polar, at codon 759 of the PALB2 protein (p.Gln759His).

NM_024675.4(PALB2):c.2277A>T (p.Gln759His)

Gene: PALB2 (partner and localizer of BRCA2; minus strand). Cytogenetic location: 16p12.2.
Variant type: single nucleotide variant.
Coding change: c.2277A>T on transcript NM_024675.4 (MANE Select); coding-DNA position 2277, A replaced by T.
Protein change: p.Gln759His; replaces glutamine 759 with histidine.
Molecular consequence: missense variant.
Genome position (GRCh38, 1-based): chr16:23,629,877, T>A on the plus strand (A>T on the coding strand, the complement: PALB2 is on the minus strand). VCF-style: chr16-23629877-T-A. GRCh37 (hg19) VCF-style: chr16-23641198-T-A.
Other names: c.2217A>T, p.Gln739His (NM_001407296.1); c.2277A>T, p.Gln759His (NM_001407297.1, NM_001407298.1, NM_001407299.1 and 3 more transcripts); c.1392A>T, p.Gln464His (NM_001407304.1, NM_001407305.1, NM_001407306.1 and 5 more transcripts); c.489A>T, p.Gln163His (NM_001407312.1, NM_001407313.1); short protein forms Q464H, Q739H, Q163H, Q759H.
Identifiers: ClinVar variation 2013892 (VCV002013892.5), dbSNP rs786202524, ClinGen allele CA395125368.
Genomic context (GRCh38, chr16:23,629,877, plus strand): 5'-TGAACTGTCGAATTGTTTAGTATCACTGGCAAGACAGACTGAGTCTTTCAAATGAGCAAG[T>A]TGGGGTGTGCAGCAAGTTCGTCCAGCAACTTCTGTAGATGCTTTTTCATAGGAGCCTTGA-3'
Protein context (NP_078951.2, residues 749-769): EVAGRTCCTP[Gln759His]LAHLKDSVCL